The following is an entry in ClinVar:

NM_016004.5(IFT52):c.595G>A (p.Ala199Thr)

Gene: IFT52 (intraflagellar transport 52; plus strand). Cytogenetic location: 20q13.12.
Variant type: single nucleotide variant.
Coding change: c.595G>A on transcript NM_016004.5 (MANE Select); coding-DNA position 595, G replaced by A.
Protein change: p.Ala199Thr; replaces alanine 199 with threonine.
Molecular consequence: missense variant. On other transcripts: 5 prime UTR variant (2).
Genome position (GRCh38, 1-based): chr20:43,613,959, G>A. VCF-style: chr20-43613959-G-A. GRCh37 (hg19) VCF-style: chr20-42242599-G-A.
Other names: c.595G>A, p.Ala199Thr (NM_001303458.3, NM_001303459.3); c.67G>A, p.Ala23Thr (NM_001323578.2, NM_001323580.2); c.-170G>A (NM_001323579.2, NM_001323581.2); short protein forms A199T, A23T.
Identifiers: ClinVar variation 253307 (VCV000253307.2), dbSNP rs886037869, ClinGen allele CA10586310.
Genomic context (GRCh38, chr20:43,613,959, plus strand): 5'-CCAGCAGTGGCGGTTCTGTCTACAGGTTCTGTCTGCTTCCCACTTAACAGACCCATTTTG[G>A]CTTTCTATCACTCAAAGGTACAGCTTTTCTTAGATATGGGTATAGATGTTATTTTTATTG-3'
Protein context (NP_057088.2, residues 189-209): VCFPLNRPIL[Ala199Thr]FYHSKNQGGK

ClinVar aggregate classification (germline): Likely pathogenic. Review status: criteria provided, single submitter (1 of 4 stars). 3 submissions from 3 submitters: Likely pathogenic (1). 2 of the submissions do not count toward it. Last evaluated 2024-02-09.

Conditions:
Short rib-polydactyly syndrome. Identifiers: Orphanet 1505, MedGen C0036996, MONDO:0015461.
Short-rib thoracic dysplasia 16 with or without polydactyly (SRTD16). Identifiers: MedGen C4310718, MONDO:0014915, OMIM 617102.

Allele frequency attached by ClinVar (database versions not stated): gnomAD exomes below 0.00001; TOPMed below 0.00001; gnomAD 0.00001.
gnomAD v4.1: 27 of 1,613,654 alleles (0.0017%); highest among the groups gnomAD compares: Non-Finnish European, 0.002%; no homozygotes.

Submissions (3):

GeneDx
Classification: Likely pathogenic. Last evaluated: 2024-02-09. Review status: criteria provided, single submitter. Criteria: GeneDx Variant Classification Process June 2021. Collection method: clinical testing. Allele origin: germline. Affected: yes.
Comment: Published functional studies demonstrate a damaging effect (PMID: 35704471); In silico analysis supports that this missense variant has a deleterious effect on protein structure/function; This variant is associated with the following publications: (PMID: 27466190, 35704471)

OMIM
Classification: Pathogenic for SHORT-RIB THORACIC DYSPLASIA 16 WITHOUT POLYDACTYLY. Last evaluated: 2016-08-30. Review status: no assertion criteria provided. Collection method: literature only. Allele origin: germline. Not counted in ClinVar's aggregate classification.

University of Washington Center for Mendelian Genomics, University of Washington
Classification: Likely pathogenic for Short Rib Polydactyly Syndrome. Review status: no assertion criteria provided. Collection method: research. Allele origin: inherited. Affected: yes. Observed: 1 compound heterozygote. Not counted in ClinVar's aggregate classification.

Literature cited by the submitters: PubMed 27466190 (cited by OMIM and University of Washington Center for Mendelian Genomics, University of Washington).